The following is an entry in ClinVar:

ClinVar aggregate classification (germline): Uncertain significance. Review status: criteria provided, multiple submitters, no conflicts (2 of 4 stars). 3 submissions from 3 submitters: Uncertain significance (3). Last evaluated 2025-09-02.

Conditions:
Majeed syndrome (MJDS). Also called: LPIN2-Related Majeed Syndrome; CHRONIC RECURRENT MULTIFOCAL OSTEOMYELITIS 1, WITH CONGENITAL DYSERYTHROPOIETIC ANEMIA, WITH OR WITHOUT NEUTROPHILIC DERMATOSIS. Identifiers: Orphanet 77297, MedGen C1864997, MONDO:0012316, OMIM 609628.
Inborn genetic diseases. Identifiers: MedGen C0950123, MeSH D030342.

Allele frequency attached by ClinVar (database versions not stated): gnomAD exomes below 0.00001.
gnomAD v4.1: 2 of 1,614,178 alleles (0.00012%); highest among the groups gnomAD compares: Non-Finnish European, 0.00017%; no homozygotes.

Submissions (3):

Labcorp Genetics (formerly Invitae), Labcorp
Classification: Uncertain significance for Majeed syndrome. Last evaluated: 2025-09-02. Review status: criteria provided, single submitter. Criteria: Invitae Variant Classification Sherloc (09022015). Collection method: clinical testing. Allele origin: germline.
Comment: This sequence change replaces glycine, which is neutral and non-polar, with arginine, which is basic and polar, at codon 475 of the LPIN2 protein (p.Gly475Arg). This variant is not present in population databases (gnomAD no frequency). This variant has not been reported in the literature in individuals affected with LPIN2-related conditions. ClinVar contains an entry for this variant (Variation ID: 968736). Invitae Evidence Modeling of protein sequence and biophysical properties (such as structural, functional, and spatial information, amino acid conservation, physicochemical variation, residue mobility, and thermodynamic stability) indicates that this missense variant is expected to disrupt LPIN2 protein function with a positive predictive value of 80%. Algorithms developed to predict the effect of sequence changes on RNA splicing suggest that this variant may create or strengthen a splice site. In summary, the available evidence is currently insufficient to determine the role of this variant in disease. Therefore, it has been classified as a Variant of Uncertain Significance.

Ambry Genetics
Classification: Uncertain significance for Inborn genetic diseases. Last evaluated: 2025-07-14. Review status: criteria provided, single submitter. Criteria: Ambry Variant Classification Scheme 2023. Collection method: clinical testing. Allele origin: germline.

ARUP Laboratories, Molecular Genetics and Genomics, ARUP Laboratories
Classification: Uncertain significance for Majeed syndrome. Last evaluated: 2024-06-05. Review status: criteria provided, single submitter. Criteria: ARUP Molecular Germline Variant Investigation Process 2024. Collection method: clinical testing. Allele origin: germline.
Comment: The LPIN2 c.1423G>A; p.Gly475Arg variant (chr18: 2931287), to our knowledge, is not reported in the medical literature but is reported in the ClinVar database (Variation ID: 968736). This variant is absent from the Genome Aggregation Database (v2.1.1), indicating it is not a common polymorphism. Computational analyses predict that this variant is deleterious (REVEL: 0.87). Due to limited information, the clinical significance of this variant is uncertain at this time.

NM_001375808.2(LPIN2):c.1423G>A (p.Gly475Arg)

Gene: LPIN2 (lipin 2; minus strand). Cytogenetic location: 18p11.31.
Variant type: single nucleotide variant.
Coding change: c.1423G>A on transcript NM_001375808.2 (MANE Select); coding-DNA position 1423, G replaced by A.
Protein change: p.Gly475Arg; replaces glycine 475 with arginine.
Molecular consequence: missense variant.
Genome position (GRCh38, 1-based): chr18:2,931,289, C>T on the plus strand (G>A on the coding strand, the complement: LPIN2 is on the minus strand). VCF-style: chr18-2931289-C-T. GRCh37 (hg19) VCF-style: chr18-2931287-C-T.
Other names: c.1423G>A, p.Gly475Arg (NM_001375809.1, NM_014646.2); short protein forms G475R.
Identifiers: ClinVar variation 968736 (VCV000968736.12), dbSNP rs2077209843, ClinGen allele CA401704212.